The following is an entry in ClinVar:

NM_032638.5(GATA2):c.540A>C (p.Glu180Asp)

Gene: GATA2 (GATA binding protein 2; minus strand). Cytogenetic location: 3q21.3.
Variant type: single nucleotide variant.
Coding change: c.540A>C on transcript NM_032638.5 (MANE Select); coding-DNA position 540, A replaced by C.
Protein change: p.Glu180Asp; replaces glutamic acid 180 with aspartic acid.
Molecular consequence: missense variant.
Genome position (GRCh38, 1-based): chr3:128,486,058, T>G on the plus strand (A>C on the coding strand, the complement: GATA2 is on the minus strand). VCF-style: chr3-128486058-T-G. GRCh37 (hg19) VCF-style: chr3-128204901-T-G.
Other names: c.540A>C, p.Glu180Asp (NM_001145661.2, NM_001145662.1); short protein forms E180D.
Identifiers: ClinVar variation 2039777 (VCV002039777.6), dbSNP rs2068693120, ClinGen allele CA354406557.

ClinVar aggregate classification (germline): Uncertain significance. Review status: criteria provided, multiple submitters, no conflicts (2 of 4 stars). 3 submissions from 3 submitters: Uncertain significance (3). Last evaluated 2025-12-11.

Conditions:
Inborn genetic diseases. Identifiers: MedGen C0950123, MeSH D030342.
Deafness-lymphedema-leukemia syndrome. Also called: Emberger syndrome; Lymphedema, primary, with myelodysplasia. Identifiers: Orphanet 3226, MedGen C3279664, MONDO:0013540, OMIM 614038.
Monocytopenia with susceptibility to infections. Also called: IMMUNODEFICIENCY 21; GATA2 DEFICIENCY; MONOCYTOPENIA AND MYCOBACTERIAL INFECTION SYNDROME; MONOCYTOPENIA WITH SUSCEPTIBILITY TO MYCOBACTERIAL, FUNGAL, AND PAPILLOMAVIRUS INFECTIONS AND MYELODYSPLASIA; COMBINED IMMUNODEFICIENCY WITH SUSCEPTIBILITY TO MYCOBACTERIAL, VIRAL, AND FUNGAL INFECTIONS; Dendritic cell, monocyte, B lymphocyte, and natural killer lymphocyte deficiency. Identifiers: Orphanet 228423, MedGen C3280030, MONDO:0013607, OMIM 614172.
GATA2-related disorder. Also called: GATA2-Related Disorders; GATA2-related condition.

Submissions (3):

Ambry Genetics
Classification: Uncertain significance for Inborn genetic diseases. Last evaluated: 2025-12-11. Review status: criteria provided, single submitter. Criteria: Ambry Variant Classification Scheme 2023. Collection method: clinical testing. Allele origin: germline.
Comment: The p.E180D variant (also known as c.540A>C), located in coding exon 2 of the GATA2 gene, results from an A to C substitution at nucleotide position 540. The glutamic acid at codon 180 is replaced by aspartic acid, an amino acid with highly similar properties. This amino acid position is conserved. In addition, this alteration is predicted to be tolerated by in silico analysis. Based on the available evidence, the clinical significance of this variant remains unclear.

Labcorp Genetics (formerly Invitae), Labcorp
Classification: Uncertain significance for Monocytopenia with susceptibility to infections; Deafness-lymphedema-leukemia syndrome. Last evaluated: 2023-07-07. Review status: criteria provided, single submitter. Criteria: Invitae Variant Classification Sherloc (09022015). Collection method: clinical testing. Allele origin: germline.
Comment: Advanced modeling of protein sequence and biophysical properties (such as structural, functional, and spatial information, amino acid conservation, physicochemical variation, residue mobility, and thermodynamic stability) performed at Invitae indicates that this missense variant is not expected to disrupt GATA2 protein function. In summary, the available evidence is currently insufficient to determine the role of this variant in disease. Therefore, it has been classified as a Variant of Uncertain Significance. ClinVar contains an entry for this variant (Variation ID: 2039777). This variant has not been reported in the literature in individuals affected with GATA2-related conditions. This variant is not present in population databases (gnomAD no frequency). This sequence change replaces glutamic acid, which is acidic and polar, with aspartic acid, which is acidic and polar, at codon 180 of the GATA2 protein (p.Glu180Asp).

PreventionGenetics, part of Exact Sciences
Classification: Uncertain significance for GATA2-related condition. Last evaluated: 2023-04-27. Review status: criteria provided, single submitter. Criteria: ACMG Guidelines, 2015. Collection method: clinical testing. Allele origin: germline.
Comment: The GATA2 c.540A>C variant is predicted to result in the amino acid substitution p.Glu180Asp. To our knowledge, this variant has not been reported in the literature or in a large population database, indicating this variant is rare. At this time, the clinical significance of this variant is uncertain due to the absence of conclusive functional and genetic evidence.